The following is an entry in ClinVar:

ClinVar aggregate classification (germline): Conflicting classifications of pathogenicity. Review status: criteria provided, conflicting classifications (1 of 4 stars). 15 submissions from 15 submitters: Uncertain significance (4); Likely benign (9). 2 of the submissions do not count toward it. Last evaluated 2026-05-26.

Conditions:
MYH11-related disorder. Also called: MYH11-related condition.
Familial thoracic aortic aneurysm and aortic dissection (TAAD). Also called: Thoracic aortic aneurysms and dissections. Identifiers: Orphanet 91387, MedGen C4707243, MONDO:0019625.
Aortic aneurysm, familial thoracic 4 (AAT4). Also called: AORTIC ANEURYSM/AORTIC DISSECTION AND PATENT DUCTUS ARTERIOSUS. Identifiers: MedGen C1851504, MONDO:0007568, OMIM 132900.

Allele frequency attached by ClinVar (database versions not stated): TOPMed 0.00027; gnomAD exomes 0.00030; gnomAD 0.00031; ExAC 0.00040; ESP Exome Variant Server 0.00046.
gnomAD v4.1: 476 of 1,614,100 alleles (0.029%); highest among the groups gnomAD compares: Non-Finnish European, 0.037%; no homozygotes.

Submissions (15):

Women's Health and Genetics/Laboratory Corporation of America, LabCorp
Classification: Likely benign. Last evaluated: 2026-05-26. Review status: criteria provided, single submitter. Criteria: LabCorp Variant Classification Summary - May 2015. Collection method: clinical testing. Allele origin: germline.
Comment: Variant summary: MYH11 c.2914G>T (p.Ala972Ser) results in a conservative amino acid change in the encoded protein sequence. Algorithms developed to predict the effect of missense changes on protein structure and function are either unavailable or do not agree on the potential impact of this missense change. The variant allele was found at a frequency of 0.00035 in 251494 control chromosomes. The observed variant frequency exceeds the estimated maximal expected allele frequency for disease-causing variants in MYH11. To our knowledge, no occurrence of c.2914G>T in individuals affected with MYH11-related conditions and no experimental evidence demonstrating its impact on protein function have been reported. ClinVar contains an entry for this variant (Variation ID: 201058). Based on the evidence outlined above, the variant was classified as likely benign.

Labcorp Genetics (formerly Invitae), Labcorp
Classification: Likely benign for Aortic aneurysm, familial thoracic 4. Last evaluated: 2026-02-04. Review status: criteria provided, single submitter. Criteria: Invitae Variant Classification Sherloc (09022015). Collection method: clinical testing. Allele origin: germline.

Molecular Diagnostic Laboratory for Inherited Cardiovascular Disease, Montreal Heart Institute
Classification: Likely benign. Last evaluated: 2025-04-09. Review status: criteria provided, single submitter. Criteria: ACMG Guidelines, 2015. Collection method: clinical testing. Allele origin: germline. Affected: no.
Comment: BS1;BP4

Blueprint Genetics
Classification: Likely benign. Last evaluated: 2024-11-25. Review status: criteria provided, single submitter. Criteria: ACMG Guidelines, 2015. Collection method: clinical testing. Allele origin: germline.

ARUP Laboratories, Molecular Genetics and Genomics, ARUP Laboratories
Classification: Uncertain significance. Last evaluated: 2024-03-20. Review status: criteria provided, single submitter. Criteria: ARUP Molecular Germline Variant Investigation Process 2024. Collection method: clinical testing. Allele origin: germline.
Comment: The MYH11 c.2893G>T; p.Ala965Ser variant (rs113696032), to our knowledge, has not been described in the medical literature but is reported in ClinVar (Variation ID: 201058) and observed in the general population at an overall frequency of 0.034% (97/282898 alleles) in the Genome Aggregation Database (v2.1.1). Computational analyses are uncertain whether this variant is neutral or deleterious (REVEL: 0.401). Due to limited information, the clinical significance of this variant is uncertain at this time.

Center for Genomics, Ann and Robert H. Lurie Children's Hospital of Chicago
Classification: Uncertain significance for Aortic aneurysm, familial thoracic 4. Last evaluated: 2021-12-15. Review status: criteria provided, single submitter. Criteria: ACMG Guidelines, 2015. Collection method: clinical testing. Allele origin: germline.
Comment: MYH11 NM_002474.3 exon 23 p.Ala965Ser (c.2893G>T): This variant has not been reported in the literature but is present in 0.06% (41/68042) of European alleles in the Genome Aggregation Database. This variant is present in ClinVar (Variation ID:201058). Evolutionary conservation for this variant is unclear; computational predictive tools suggest that this variant may not impact the protein. In summary, data on this variant is insufficient for disease classification. Therefore, the clinical significance of this variant is uncertain.

CHEO Genetics Diagnostic Laboratory, Children's Hospital of Eastern Ontario
Classification: Likely benign for Familial thoracic aortic aneurysm and aortic dissection. Last evaluated: 2021-08-12. Review status: criteria provided, single submitter. Criteria: ACMG Guidelines, 2015. Collection method: clinical testing. Allele origin: germline.

GeneDx
Classification: Likely benign. Last evaluated: 2021-02-22. Review status: criteria provided, single submitter. Criteria: GeneDx Variant Classification Process June 2021. Collection method: clinical testing. Allele origin: germline. Affected: yes.

Ambry Genetics
Classification: Likely benign for Familial thoracic aortic aneurysm and aortic dissection. Last evaluated: 2021-02-17. Review status: criteria provided, single submitter. Criteria: Ambry Variant Classification Scheme 2023. Collection method: clinical testing. Allele origin: germline.

CeGaT Center for Human Genetics Tuebingen
Classification: Uncertain significance. Last evaluated: 2020-06-01. Review status: criteria provided, single submitter. Criteria: CeGaT Center For Human Genetics Tuebingen Variant Classification Criteria Version 2. Collection method: clinical testing. Allele origin: germline. Affected: yes. Observed: 1 variant allele.

Color Diagnostics, LLC DBA Color Health
Classification: Likely benign for Familial thoracic aortic aneurysm and aortic dissection. Last evaluated: 2019-10-21. Review status: criteria provided, single submitter. Criteria: ACMG Guidelines, 2015. Collection method: clinical testing. Allele origin: germline.

Illumina Laboratory Services, Illumina
Classification: Uncertain significance for Aortic aneurysm, familial thoracic 4. Last evaluated: 2018-01-13. Review status: criteria provided, single submitter. Criteria: ICSL Variant Classification Criteria 13 December 2019. Collection method: clinical testing. Allele origin: germline.

Genome Diagnostics Laboratory, University Medical Center Utrecht
Classification: Likely benign for Aortic aneurysm, familial thoracic 4. Last evaluated: 2016-05-13. Review status: criteria provided, single submitter. Criteria: ACGS Guidelines, 2013. Collection method: clinical testing. Allele origin: germline. Affected: yes. Study: VKGL Data-share Consensus.

PreventionGenetics, part of Exact Sciences
Classification: Uncertain significance for MYH11-related condition. Last evaluated: 2024-08-26. Review status: no assertion criteria provided. Collection method: clinical testing. Allele origin: germline. Not counted in ClinVar's aggregate classification.
Comment: The MYH11 c.2914G>T variant is predicted to result in the amino acid substitution p.Ala972Ser. To our knowledge, this variant has not been reported in the literature. This variant is reported in 0.065% of alleles in individuals of European (non-Finnish) descent in gnomAD. Although we suspect that this variant may be benign, at this time, the clinical significance of this variant is uncertain due to the absence of conclusive functional and genetic evidence.

Genome Diagnostics Laboratory, Amsterdam University Medical Center
Classification: Likely benign for Aortic aneurysm, familial thoracic 4. Last evaluated: 2017-06-06. Review status: no assertion criteria provided. Criteria: ACGS Guidelines, 2013. Collection method: clinical testing. Allele origin: germline. Affected: yes. Study: VKGL Data-share Consensus. Not counted in ClinVar's aggregate classification.

NM_002474.3(MYH11):c.2893G>T (p.Ala965Ser)

Gene: MYH11 (myosin heavy chain 11; minus strand). Cytogenetic location: 16p13.11.
Variant type: single nucleotide variant.
Coding change: c.2893G>T on transcript NM_002474.3 (MANE Select); coding-DNA position 2893, G replaced by T.
Protein change: p.Ala965Ser; replaces alanine 965 with serine.
Molecular consequence: missense variant.
Genome position (GRCh38, 1-based): chr16:15,740,155, C>A on the plus strand (G>T on the coding strand, the complement: MYH11 is on the minus strand). VCF-style: chr16-15740155-C-A. GRCh37 (hg19) VCF-style: chr16-15834012-C-A.
Other names: p.A965S:GCC>TCC; c.2914G>T, p.Ala972Ser (NM_001040113.2, NM_001040114.2); c.2893G>T, p.Ala965Ser (NM_022844.3); short protein forms A965S, A972S.
Identifiers: ClinVar variation 201058 (VCV000201058.76), dbSNP rs113696032, ClinGen allele CA306516.